The following is an entry in ClinVar:

ClinVar aggregate classification (germline): Pathogenic (1 of 4 stars; one submission).

Conditions:
Dystonia 5 (DRD). Also called: Dystonia, DOPA-responsive, with or without hyperphenylalaninemia; DYSTONIA, PROGRESSIVE, WITH DIURNAL VARIATION; DYSTONIA-PARKINSONISM WITH DIURNAL FLUCTUATION; DYT-GCH1; GTP Cyclohydrolase 1-Deficient Dopa-Responsive Dystonia. Identifiers: Orphanet 98808, MedGen C1851920, MONDO:0007495, OMIM 128230.
GTP cyclohydrolase I deficiency. Identifiers: MedGen C0268467, MONDO:0100184.

Submission:

Labcorp Genetics (formerly Invitae), Labcorp
Classification: Pathogenic for GTP cyclohydrolase I deficiency; Dystonia 5. Last evaluated: 2018-12-18. Review status: criteria provided, single submitter. Criteria: Invitae Variant Classification Sherloc (09022015). Collection method: clinical testing. Allele origin: germline.
Comment: This sequence change affects a donor splice site in intron 3 of the GCH1 gene. It is expected to disrupt RNA splicing and likely results in an absent or disrupted protein product. This variant is not present in population databases (ExAC no frequency). Variants that affect this splice site have been observed in several individuals affected with dopa-responsive dystonia (PMID: 11113234, 14509676). Algorithms developed to predict the effect of sequence changes on RNA splicing suggest that this variant may disrupt the consensus splice site, but this prediction has not been confirmed by published transcriptional studies. Donor and acceptor splice site variants typically lead to a loss of protein function (PMID: 16199547), and loss-of-function variants in GCH1 are known to be pathogenic (PMID: 19491146). For these reasons, this variant has been classified as Pathogenic.

Literature cited by the submitters: PubMed 11113234; PubMed 14509676; PubMed 16199547; PubMed 19491146.

NM_000161.3(GCH1):c.509+1_509+3delinsTGTGAG

Gene: GCH1 (GTP cyclohydrolase 1; minus strand). Cytogenetic location: 14q22.2.
Variant type: Indel.
Coding change: c.509+1_509+3delinsTGTGAG on transcript NM_000161.3 (MANE Select); the canonical splice donor site of the intron after coding-DNA position 509 through 3 bases into the intron after coding-DNA position 509, GTA replaced by TGTGAG.
Molecular consequence: splice donor variant.
Genome position (GRCh38, 1-based): chr14:54,859,678-54,859,680, TAC replaced by CTCACA on the plus strand (GTA replaced by TGTGAG on the coding strand, the reverse complement: GCH1 is on the minus strand). VCF-style: chr14-54859678-TAC-CTCACA. GRCh37 (hg19) VCF-style: chr14-55326396-TAC-CTCACA.
Other names: c.509+1_509+3delinsTGTGAG (NM_001024071.2, NM_001024070.2, NM_001024024.2).
Identifiers: ClinVar variation 641360 (VCV000641360.5), dbSNP rs1594982939, ClinGen allele CA915948822.